The following is an entry in ClinVar:

ClinVar aggregate classification (germline): Likely benign (1 of 4 stars; one submission).

Submission:

CeGaT Center for Human Genetics Tuebingen
Classification: Likely benign. Last evaluated: 2025-06-01. Review status: criteria provided, single submitter. Criteria: CeGaT Center For Human Genetics Tuebingen Variant Classification Criteria Version 2. Collection method: clinical testing. Allele origin: germline. Affected: yes. Observed: 1 variant allele.
Comment: PLIN4: BP4, BP7

NM_001367868.2(PLIN4):c.1755A>G (p.Thr585=)

Gene: PLIN4 (perilipin 4; minus strand). Cytogenetic location: 19p13.3.
Variant type: single nucleotide variant.
Coding change: c.1755A>G on transcript NM_001367868.2 (MANE Select); coding-DNA position 1755, A replaced by G.
Protein change: p.Thr585=; no amino-acid change (threonine 585 retained).
Molecular consequence: synonymous variant.
Genome position (GRCh38, 1-based): chr19:4,512,205, T>C on the plus strand (A>G on the coding strand, the complement: PLIN4 is on the minus strand). VCF-style: chr19-4512205-T-C. GRCh37 (hg19) VCF-style: chr19-4512217-T-C.
Other names: c.1758A>G, p.Thr586= (NM_001393888.1, NM_001393889.1); c.1755A>G, p.Thr585= (NM_001393890.1, NM_001393891.1).
Identifiers: ClinVar variation 4083676 (VCV004083676.8).